The following is an entry in ClinVar:

NC_000012.11:g.(?_48388187)_(48398104_?)dup

Gene: COL2A1 (collagen type II alpha 1 chain; minus strand). Cytogenetic location: 12q13.11.
Variant type: Duplication.
Identifiers: ClinVar variation 3244375 (VCV003244375.1).

ClinVar aggregate classification (germline): Uncertain significance (1 of 4 stars; one submission).

Submission:

Labcorp Genetics (formerly Invitae), Labcorp
Classification: Uncertain significance. Last evaluated: 2023-12-05. Review status: criteria provided, single submitter. Criteria: Invitae Variant Classification Sherloc (09022015). Collection method: clinical testing. Allele origin: unknown.
Comment: This variant results in a copy number gain of the genomic region encompassing exon(s) 1-12 of the COL2A1 gene. This region includes the initiator codon of the gene. This copy number gain extends beyond the assayed region for this gene and therefore may encompass additional genes. As the precise location of this event is unknown, it may be in tandem or it may be located elsewhere in the genome. This variant has not been reported in the literature in individuals affected with COL2A1-related conditions. In summary, the available evidence is currently insufficient to determine the role of this variant in disease. Therefore, it has been classified as a Variant of Uncertain Significance.